The following is an entry in ClinVar:

NM_020919.4(ALS2):c.1233T>G (p.Tyr411Ter)

Gene: ALS2 (alsin Rho guanine nucleotide exchange factor ALS2; minus strand). Cytogenetic location: 2q33.1.
Variant type: single nucleotide variant.
Coding change: c.1233T>G on transcript NM_020919.4 (MANE Select); coding-DNA position 1233, T replaced by G.
Protein change: p.Tyr411Ter; replaces tyrosine 411 with a stop codon.
Molecular consequence: nonsense.
Genome position (GRCh38, 1-based): chr2:201,757,640, A>C on the plus strand (T>G on the coding strand, the complement: ALS2 is on the minus strand). VCF-style: chr2-201757640-A-C. GRCh37 (hg19) VCF-style: chr2-202622363-A-C.
Other names: short protein forms Y411*.
Identifiers: ClinVar variation 533743 (VCV000533743.9), dbSNP rs369577952, ClinGen allele CA350326975.
Genomic context (GRCh38, chr2:201,757,640, plus strand): 5'-TTCACAAGGGGTTGTACTATAAAAGTTCATAACTTTCTTCAGTGACAAGGCACCAGCTTC[A>C]TAAGTAGCAGCCACTCTCACACCAACAGCAGATGCACAAGAGACCACCAGGCTGTTTAGG-3'

ClinVar aggregate classification (germline): Pathogenic. Review status: criteria provided, multiple submitters, no conflicts (2 of 4 stars). 2 submissions from 2 submitters: Pathogenic (2). Last evaluated 2023-04-11.

Conditions:
Infantile-onset ascending hereditary spastic paralysis (IAHSP). Also called: Infantile-Onset Ascending Hereditary Spastic Paralysis (IAHSP); Autosomal Recessive Juvenile Amyotrophic Lateral Sclerosis. Identifiers: Orphanet 293168, MedGen C2931441, MONDO:0011797, OMIM 607225. Disease mechanism: loss of function.
Amyotrophic lateral sclerosis type 2, juvenile. Also called: ALS, JUVENILE; Amyotrophic lateral sclerosis type 2. Identifiers: Orphanet 300605, MedGen C1859807, MONDO:0008780, OMIM 205100.
Juvenile primary lateral sclerosis (PLSJ). Also called: Juvenile Primary Lateral Sclerosis (JPLS). Identifiers: Orphanet 247604, MedGen C1853396, MONDO:0011663, OMIM 606353.

Allele frequency attached by ClinVar (database versions not stated): TOPMed below 0.00001.
gnomAD v4.1: 7 of 1,614,178 alleles (0.00043%); highest among the groups gnomAD compares: Non-Finnish European, 0.00059%; no homozygotes.

Submissions (2):

Labcorp Genetics (formerly Invitae), Labcorp
Classification: Pathogenic for Infantile-onset ascending hereditary spastic paralysis. Last evaluated: 2023-04-11. Review status: criteria provided, single submitter. Criteria: Invitae Variant Classification Sherloc (09022015). Collection method: clinical testing. Allele origin: germline.
Comment: This variant has not been reported in the literature in individuals affected with ALS2-related conditions. This sequence change creates a premature translational stop signal (p.Tyr411*) in the ALS2 gene. It is expected to result in an absent or disrupted protein product. Loss-of-function variants in ALS2 are known to be pathogenic (PMID: 11586298, 24315819). This variant is not present in population databases (gnomAD no frequency). ClinVar contains an entry for this variant (Variation ID: 533743). For these reasons, this variant has been classified as Pathogenic.

Fulgent Genetics
Classification: Pathogenic for Amyotrophic lateral sclerosis type 2, juvenile; Juvenile primary lateral sclerosis; Infantile-onset ascending hereditary spastic paralysis. Last evaluated: 2018-10-31. Review status: criteria provided, single submitter. Criteria: ACMG Guidelines, 2015. Collection method: clinical testing. Allele origin: unknown.

Literature cited by the submitters: PubMed 11586298 (cited by Labcorp Genetics (formerly Invitae), Labcorp); PubMed 24315819 (cited by Labcorp Genetics (formerly Invitae), Labcorp).